The following is an entry in ClinVar:

NM_000492.4(CFTR):c.2300A>G (p.Gln767Arg)

Gene: CFTR (CF transmembrane conductance regulator; plus strand). Cytogenetic location: 7q31.2.
Variant type: single nucleotide variant.
Coding change: c.2300A>G on transcript NM_000492.4 (MANE Select); coding-DNA position 2300, A replaced by G.
Protein change: p.Gln767Arg; replaces glutamine 767 with arginine.
Molecular consequence: missense variant.
Genome position (GRCh38, 1-based): chr7:117,592,467, A>G. VCF-style: chr7-117592467-A-G. GRCh37 (hg19) VCF-style: chr7-117232521-A-G.
Other names: short protein forms Q767R.
Identifiers: ClinVar variation 4227400 (VCV004227400.1).

ClinVar aggregate classification (germline): Uncertain significance (1 of 4 stars; one submission).

Conditions:
Cystic fibrosis (CF). Also called: MUCOVISCIDOSIS. Identifiers: Orphanet 586, MedGen C0010674, MONDO:0009061, OMIM 219700. Disease mechanism: loss of function.

Submission:

Ambry Genetics
Classification: Uncertain significance for Cystic fibrosis. Last evaluated: 2025-07-03. Review status: criteria provided, single submitter. Criteria: Ambry Variant Classification Scheme 2023. Collection method: clinical testing. Allele origin: germline.
Comment: The p.Q767R variant (also known as c.2300A>G), located in coding exon 14 of the CFTR gene, results from an A to G substitution at nucleotide position 2300. The glutamine at codon 767 is replaced by arginine, an amino acid with highly similar properties. This amino acid position is conserved. In addition, this alteration is predicted to be deleterious by in silico analysis. Based on the available evidence, the clinical significance of this variant remains unclear.